The following is an entry in ClinVar:

NM_001283009.2(RTEL1):c.2109G>A (p.Gln703=)

Genes: RTEL1 (regulator of telomere elongation helicase 1; plus strand), RTEL1-TNFRSF6B (RTEL1-TNFRSF6B readthrough (NMD candidate); plus strand). Cytogenetic location: 20q13.33.
Variant type: single nucleotide variant.
Coding change: c.2109G>A on transcript NM_001283009.2 (MANE Select); coding-DNA position 2109, G replaced by A.
Protein change: p.Gln703=; no amino-acid change (glutamine 703 retained).
Molecular consequence: synonymous variant. On other transcripts: non-coding transcript variant (1).
Genome position (GRCh38, 1-based): chr20:63,689,833, G>A. VCF-style: chr20-63689833-G-A. GRCh37 (hg19) VCF-style: chr20-62321186-G-A.
Other names: c.1440G>A, p.Gln480= (NM_001283010.1); c.2109G>A, p.Gln703= (NM_016434.4); c.2181G>A, p.Gln727= (NM_032957.5).
Identifiers: ClinVar variation 1117171 (VCV001117171.29), dbSNP rs764545169, ClinGen allele CA9965164.
Genomic context (GRCh38, chr20:63,689,833, plus strand): 5'-CCGGCAGCAGGCGTCCAGGGCTGTGAACCAGGCCATCGGGCGAGTGATCCGGCACCGCCA[G>A]GACTACGGAGCTGTCTTCCTCTGTGACCACAGGTGCGTGCAGTCCGGTGGCAGGCGCGGC-3'
Protein context (NP_001269938.1, residues 693-713): QAIGRVIRHR[Gln703=]DYGAVFLCDH

ClinVar aggregate classification (germline): Likely benign. Review status: criteria provided, multiple submitters, no conflicts (2 of 4 stars). 3 submissions from 3 submitters: Likely benign (3). Last evaluated 2025-10-21.

Conditions:
Pulmonary fibrosis and/or bone marrow failure, Telomere-related, 3. Also called: PULMONARY FIBROSIS AND/OR BONE MARROW FAILURE SYNDROME, TELOMERE-RELATED, 3. Identifiers: Orphanet 2032, MedGen C4225346, MONDO:0014613, OMIM 616373.
Dyskeratosis congenita, autosomal recessive 5 (DKCB5). Identifiers: MedGen C3554656, MONDO:0014076, OMIM 615190.
Inborn genetic diseases. Identifiers: MedGen C0950123, MeSH D030342.

Allele frequency attached by ClinVar (database versions not stated): gnomAD 0.00001; gnomAD exomes 0.00001 and 0.00002; TOPMed 0.00001; ExAC 0.00003.
gnomAD v4.1: 13 of 1,611,162 alleles (0.00081%); highest among the groups gnomAD compares: Non-Finnish European, 0.00025%; no homozygotes.

Submissions (3):

Labcorp Genetics (formerly Invitae), Labcorp
Classification: Likely benign for Dyskeratosis congenita, autosomal recessive 5; Pulmonary fibrosis and/or bone marrow failure, Telomere-related, 3. Last evaluated: 2025-10-21. Review status: criteria provided, single submitter. Criteria: Invitae Variant Classification Sherloc (09022015). Collection method: clinical testing. Allele origin: germline.

Ambry Genetics
Classification: Likely benign for Inborn genetic diseases. Last evaluated: 2024-11-30. Review status: criteria provided, single submitter. Criteria: Ambry Variant Classification Scheme 2023. Collection method: clinical testing. Allele origin: germline.

CeGaT Center for Human Genetics Tuebingen
Classification: Likely benign. Last evaluated: 2024-05-01. Review status: criteria provided, single submitter. Criteria: CeGaT Center For Human Genetics Tuebingen Variant Classification Criteria Version 2. Collection method: clinical testing. Allele origin: germline. Affected: yes. Observed: 1 variant allele.
Comment: RTEL1: BP4, BP7